The following is an entry in ClinVar:

ClinVar aggregate classification (germline): Uncertain significance. Review status: criteria provided, multiple submitters, no conflicts (2 of 4 stars). 2 submissions from 2 submitters: Uncertain significance (2). Last evaluated 2023-08-28.

Conditions:
Inborn genetic diseases. Identifiers: MedGen C0950123, MeSH D030342.

Allele frequency attached by ClinVar (database versions not stated): gnomAD exomes below 0.00001 and 0.00001; gnomAD 0.00002; TOPMed 0.00002.
gnomAD v4.1: 7 of 1,612,626 alleles (0.00043%); highest among the groups gnomAD compares: African/African-American, 0.0053%; no homozygotes.

Submissions (2):

Labcorp Genetics (formerly Invitae), Labcorp
Classification: Uncertain significance. Last evaluated: 2023-08-28. Review status: criteria provided, single submitter. Criteria: Invitae Variant Classification Sherloc (09022015). Collection method: clinical testing. Allele origin: germline.
Comment: In summary, the available evidence is currently insufficient to determine the role of this variant in disease. Therefore, it has been classified as a Variant of Uncertain Significance. Algorithms developed to predict the effect of missense changes on protein structure and function output the following: SIFT: "Not Available"; PolyPhen-2: "Benign"; Align-GVGD: "Not Available". The serine amino acid residue is found in multiple mammalian species, which suggests that this missense change does not adversely affect protein function. ClinVar contains an entry for this variant (Variation ID: 1354055). This variant has not been reported in the literature in individuals affected with COL13A1-related conditions. This variant is present in population databases (no rsID available, gnomAD 0.004%). This sequence change replaces asparagine, which is neutral and polar, with serine, which is neutral and polar, at codon 674 of the COL13A1 protein (p.Asn674Ser).

Ambry Genetics
Classification: Uncertain significance for Inborn genetic diseases. Last evaluated: 2022-12-15. Review status: criteria provided, single submitter. Criteria: Ambry Variant Classification Scheme 2023. Collection method: clinical testing. Allele origin: germline.

NM_001368882.1(COL13A1):c.2054A>G (p.Asn685Ser)

Gene: COL13A1 (collagen type XIII alpha 1 chain; plus strand). Cytogenetic location: 10q22.1.
Variant type: single nucleotide variant.
Coding change: c.2054A>G on transcript NM_001368882.1 (MANE Select); coding-DNA position 2054, A replaced by G.
Protein change: p.Asn685Ser; replaces asparagine 685 with serine.
Molecular consequence: missense variant.
Genome position (GRCh38, 1-based): chr10:69,947,338, A>G. VCF-style: chr10-69947338-A-G. GRCh37 (hg19) VCF-style: chr10-71707094-A-G.
Other names: c.2021A>G, p.Asn674Ser (NM_001130103.2); c.1910A>G, p.Asn637Ser (NM_001320951.2); c.1931A>G, p.Asn644Ser (NM_001368883.1); c.1868A>G, p.Asn623Ser (NM_001368884.1); c.1832A>G, p.Asn611Ser (NM_001368885.1); c.1310A>G, p.Asn437Ser (NM_001368886.1); c.1841A>G, p.Asn614Ser (NM_001368895.1); c.1763A>G, p.Asn588Ser (NM_001368896.1); and 8 more; short protein forms N585S, N588S, N605S, N611S, N625S, N674S, N596S, N614S.
Identifiers: ClinVar variation 1354055 (VCV001354055.7), dbSNP rs905555584, ClinGen allele CA209290448.